The following is an entry in ClinVar:

ClinVar aggregate classification (germline): Pathogenic. Review status: reviewed by expert panel (3 of 4 stars). 5 submissions from 5 submitters: Pathogenic (1). 4 of the submissions do not count toward it. Last evaluated 2017-12-15.

Conditions:
Breast-ovarian cancer, familial, susceptibility to, 1 (BROVCA1). Also called: BRCA1 Hereditary Breast and Ovarian Cancer; OVARIAN CANCER, SUSCEPTIBILITY TO. Identifiers: Orphanet 145, MedGen C2676676, MONDO:0011450, OMIM 604370. Disease mechanism: loss of function.
Hereditary cancer-predisposing syndrome. Also called: Neoplastic Syndromes, Hereditary; Hereditary neoplastic syndrome; Hereditary Cancer Syndrome; Tumor predisposition. Identifiers: Orphanet 140162, MedGen C0027672, MeSH D009386, MONDO:0015356.
Hereditary breast ovarian cancer syndrome. Also called: Hereditary breast and ovarian cancer syndrome; Breast and ovarian cancer; Hereditary breast and ovarian cancer syndrome (HBOC); Hereditary breast and/or ovarian cancer syndrome; BRCA1- and BRCA2-Associated Hereditary Breast and Ovarian Cancer; Hereditary breast and ovarian cancer. Identifiers: Orphanet 145, MedGen C0677776, MeSH D061325, MONDO:0003582. Disease mechanism: loss of function.

Submissions (5):

Evidence-based Network for the Interpretation of Germline Mutant Alleles (ENIGMA)
Classification: Pathogenic for Breast-ovarian cancer, familial, susceptibility to, 1. Last evaluated: 2017-12-15. Review status: reviewed by expert panel. Criteria: ENIGMA BRCA1/2 Classification Criteria (2017-06-29). Collection method: curation. Allele origin: germline. Study: ENIGMA.
Comment: Variant allele predicted to encode a truncated non-functional protein.

Labcorp Genetics (formerly Invitae), Labcorp
Classification: Pathogenic for Hereditary breast ovarian cancer syndrome. Last evaluated: 2025-07-31. Review status: criteria provided, single submitter. Criteria: Invitae Variant Classification Sherloc (09022015). Collection method: clinical testing. Allele origin: germline. Not counted in ClinVar's aggregate classification.
Comment: This sequence change creates a premature translational stop signal (p.Ala1279Hisfs*28) in the BRCA1 gene. It is expected to result in an absent or disrupted protein product. Loss-of-function variants in BRCA1 are known to be pathogenic (PMID: 20104584). This variant is not present in population databases (gnomAD no frequency). This premature translational stop signal has been observed in individual(s) with clinical features of hereditary breast and ovarian cancer syndrome (PMID: 28975465, 29339979). ClinVar contains an entry for this variant (Variation ID: 417826). For these reasons, this variant has been classified as Pathogenic.

Ambry Genetics
Classification: Pathogenic for Hereditary cancer-predisposing syndrome. Last evaluated: 2025-03-03. Review status: criteria provided, single submitter. Criteria: Ambry Variant Classification Scheme 2023. Collection method: clinical testing. Allele origin: germline. Not counted in ClinVar's aggregate classification.
Comment: The c.3835delG pathogenic mutation, located in coding exon 9 of the BRCA1 gene, results from a deletion of one nucleotide at nucleotide position 3835, causing a translational frameshift with a predicted alternate stop codon (p.A1279Hfs*28). This alteration was identified in individuals diagnosed with breast and/or ovarian cancer (Siraj AK et al. Hum Genet, 2017 Nov;136:1431-1444; Abdel-Razeq H et al. Mol Genet Genomic Med, 2023 Apr;11:e2125). In addition to the clinical data presented in the literature, this alteration is expected to result in loss of function by premature protein truncation or nonsense-mediated mRNA decay. As such, this alteration is interpreted as a disease-causing mutation.

Department of Medical Genetics, Oslo University Hospital
Classification: Pathogenic for Breast-ovarian cancer, familial, susceptibility to, 1. Last evaluated: 2015-07-01. Review status: criteria provided, single submitter. Criteria: ACMG Guidelines, 2015. Collection method: clinical testing. Allele origin: germline. Affected: yes. Observed: 2 variant alleles. Not counted in ClinVar's aggregate classification.

KCCC/NGS Laboratory, Kuwait Cancer Control Center
Classification: Pathogenic for Breast-ovarian cancer, familial, susceptibility to, 1. Last evaluated: 2023-05-05. Review status: no assertion criteria provided. Collection method: clinical testing. Allele origin: germline. Affected: yes. Not counted in ClinVar's aggregate classification.
Comment: This variant results in deletion of a nucleotide in position 3835, frameshift, and a stop codon 28 codons downstream. This variant is predicted to encode a truncated non-functional protein. Truncated non-functional BRCA1 protein (Null variant), is a known mechanism of disease. ClinVar classifies this variant as Pathogenic, rated 3 stars, reviewed by expert panel (417826). This variant is not found in gnomAD exomes or genomes. Therefore, this variant has been classified as Pathogenic.

Literature cited by the submitters: PubMed 20104584 (cited by Labcorp Genetics (formerly Invitae), Labcorp and KCCC/NGS Laboratory, Kuwait Cancer Control Center); PubMed 28975465 (cited by Labcorp Genetics (formerly Invitae), Labcorp and Ambry Genetics); PubMed 29339979 (cited by Labcorp Genetics (formerly Invitae), Labcorp); PubMed 36537080 (cited by Ambry Genetics).

NM_007294.4(BRCA1):c.3835del (p.Ala1279fs)

Genes: BRCA1 (BRCA1 DNA repair associated; minus strand), LOC126862571 (BRD4-independent group 4 enhancer GRCh37_chr17:41243136-41244335; plus strand). Cytogenetic location: 17q21.31.
Variant type: Deletion.
Coding change: c.3835del on transcript NM_007294.4 (MANE Select); coding-DNA position 3835, one base deleted (G; older notation c.3835delG).
Protein change: p.Ala1279fs; shifts the reading frame from alanine 1279.
Molecular consequence: frameshift variant. On other transcripts: intron variant (135).
Genome position (GRCh38, 1-based): chr17:43,091,696, C deleted on the plus strand (G on the coding strand, the reverse complement: BRCA1 is on the minus strand); the first of 2 consecutive C bases (chr17:43,091,696-43,091,697); deleting either gives the same sequence. VCF-style (leftmost placement, unchanged base first): chr17-43091695-GC-G. GRCh37 (hg19) VCF-style: chr17-41243712-GC-G.
Other names: c.3835delG (NM_007294.3, NM_007300.3); c.788-664del (NM_001407993.1, NM_001407976.1, NM_001408404.1 and 17 more transcripts); c.653-664del (NM_001408451.1); c.644-664del (NM_001408464.1, NM_001408468.1, NM_001408465.1 and 3 more transcripts); c.524-664del (NM_001408498.1, NM_001408501.1, NM_001408500.1 and 3 more transcripts); c.647-664del (NM_001408467.1, NM_001408459.1, NM_001408455.1 and 11 more transcripts); c.584-664del (NM_001408475.1); c.710-664del (NM_001408412.1, NM_001408409.1, NM_001408414.1 and 2 more transcripts); and 42 more; short protein forms A1232fs, A1279fs, A1191fs, A1212fs, A1252fs, A1278fs, A983fs, A1111fs.
Identifiers: ClinVar variation 417826 (VCV000417826.8), dbSNP rs1060505047, ClinGen allele CA16616884.